The following is an entry in ClinVar:

NM_022124.6(CDH23):c.6733C>T (p.Pro2245Ser)

Gene: CDH23 (cadherin related 23; plus strand). Cytogenetic location: 10q22.1.
Variant type: single nucleotide variant.
Coding change: c.6733C>T on transcript NM_022124.6 (MANE Select); coding-DNA position 6733, C replaced by T.
Protein change: p.Pro2245Ser; replaces proline 2245 with serine.
Molecular consequence: missense variant.
Genome position (GRCh38, 1-based): chr10:71,797,124, C>T. VCF-style: chr10-71797124-C-T. GRCh37 (hg19) VCF-style: chr10-73556881-C-T.
Other names: c.13C>T, p.Pro5Ser (NM_001171933.1, NM_001171934.1); short protein forms P2245S, P5S.
Identifiers: ClinVar variation 2140232 (VCV002140232.5), dbSNP rs952103854, ClinGen allele CA209468691.
Genomic context (GRCh38, chr10:71,797,124, plus strand): 5'-GGTTCTTCTCAGGCTGAACCTGGCCTGGTCTGGTCCACAGGATCTGTAATGGTGAAGTCC[C>T]CCATGAATCGGGAGCTGGTTGCCACCTATGAGGTCACTCTCTCAGTGATTGACAATGCCA-3'
Protein context (NP_071407.4, residues 2235-2255): INTGSVMVKS[Pro2245Ser]MNRELVATYE

ClinVar aggregate classification (germline): Uncertain significance. Review status: criteria provided, multiple submitters, no conflicts (2 of 4 stars). 2 submissions from 2 submitters: Uncertain significance (2). Last evaluated 2024-06-18.

Allele frequency attached by ClinVar (database versions not stated): gnomAD exomes below 0.00001; gnomAD 0.00001; TOPMed 0.00002.
gnomAD v4.1: 10 of 1,612,864 alleles (0.00062%); highest among the groups gnomAD compares: East Asian, 0.0089%; no homozygotes.

Submissions (2):

Blueprint Genetics
Classification: Uncertain significance. Last evaluated: 2024-06-18. Review status: criteria provided, single submitter. Criteria: ACMG Guidelines, 2015. Collection method: clinical testing. Allele origin: germline.

Labcorp Genetics (formerly Invitae), Labcorp
Classification: Uncertain significance. Last evaluated: 2024-01-17. Review status: criteria provided, single submitter. Criteria: Invitae Variant Classification Sherloc (09022015). Collection method: clinical testing. Allele origin: germline.
Comment: This sequence change replaces proline, which is neutral and non-polar, with serine, which is neutral and polar, at codon 2245 of the CDH23 protein (p.Pro2245Ser). This variant is present in population databases (no rsID available, gnomAD 0.006%). This variant has not been reported in the literature in individuals affected with CDH23-related conditions. ClinVar contains an entry for this variant (Variation ID: 2140232). Advanced modeling of protein sequence and biophysical properties (such as structural, functional, and spatial information, amino acid conservation, physicochemical variation, residue mobility, and thermodynamic stability) performed at Invitae indicates that this missense variant is not expected to disrupt CDH23 protein function with a negative predictive value of 95%. In summary, the available evidence is currently insufficient to determine the role of this variant in disease. Therefore, it has been classified as a Variant of Uncertain Significance.